The following is an entry in ClinVar:

ClinVar aggregate classification (germline): Uncertain significance. Review status: criteria provided, multiple submitters, no conflicts (2 of 4 stars). 7 submissions from 7 submitters: Uncertain significance (7). Last evaluated 2024-12-04.

Conditions:
Desmin-related myofibrillar myopathy (MFM1). Also called: MYOFIBRILLAR MYOPATHY WITH ARRHYTHMOGENIC RIGHT VENTRICULAR CARDIOMYOPATHY; DESMIN-RELATED MYOPATHY WITH ARRHYTHMOGENIC RIGHT VENTRICULAR CARDIOMYOPATHY; Myofibrillar myopathy 1; Desminopathy; Desmin related myopathy (former name); Desmin storage myopathy (former name). Identifiers: Orphanet 363543, Orphanet 98909, MedGen C1832370, MONDO:0011076, OMIM 601419.
Neurogenic scapuloperoneal syndrome, Kaeser type (SCPNK). Also called: KAESER SYNDROME. Identifiers: Orphanet 85146, MedGen C1867005, MONDO:0008407, OMIM 181400.
Dilated cardiomyopathy 1I (CMD1I). Identifiers: Orphanet 154, MedGen C1858154, MONDO:0011482, OMIM 604765.
Cardiovascular phenotype. Identifiers: MedGen CN230736.

Allele frequency attached by ClinVar (database versions not stated): ExAC below 0.00001; gnomAD exomes below 0.00001; TOPMed 0.00002.

Submissions (7):

GeneDx
Classification: Uncertain significance. Last evaluated: 2024-12-04. Review status: criteria provided, single submitter. Criteria: GeneDx Variant Classification Process June 2021. Collection method: clinical testing. Allele origin: germline. Affected: yes.
Comment: Not observed at significant frequency in large population cohorts (gnomAD); In silico analysis indicates that this missense variant does not alter protein structure/function; Has not been previously published as pathogenic or benign to our knowledge; This variant is associated with the following publications: (PMID: 26807690)

Labcorp Genetics (formerly Invitae), Labcorp
Classification: Uncertain significance for Desmin-related myofibrillar myopathy. Last evaluated: 2024-01-26. Review status: criteria provided, single submitter. Criteria: Invitae Variant Classification Sherloc (09022015). Collection method: clinical testing. Allele origin: germline.
Comment: This sequence change replaces glutamic acid, which is acidic and polar, with lysine, which is basic and polar, at codon 156 of the DES protein (p.Glu156Lys). This variant is not present in population databases (gnomAD no frequency). This variant has not been reported in the literature in individuals affected with DES-related conditions. ClinVar contains an entry for this variant (Variation ID: 434937). Advanced modeling of protein sequence and biophysical properties (such as structural, functional, and spatial information, amino acid conservation, physicochemical variation, residue mobility, and thermodynamic stability) has been performed at Invitae for this missense variant, however the output from this modeling did not meet the statistical confidence thresholds required to predict the impact of this variant on DES protein function. In summary, the available evidence is currently insufficient to determine the role of this variant in disease. Therefore, it has been classified as a Variant of Uncertain Significance.

Ambry Genetics
Classification: Uncertain significance for Cardiovascular phenotype. Last evaluated: 2023-11-22. Review status: criteria provided, single submitter. Criteria: Ambry Variant Classification Scheme 2023. Collection method: clinical testing. Allele origin: germline.

CeGaT Center for Human Genetics Tuebingen
Classification: Uncertain significance. Last evaluated: 2023-03-01. Review status: criteria provided, single submitter. Criteria: CeGaT Center For Human Genetics Tuebingen Variant Classification Criteria Version 2. Collection method: clinical testing. Allele origin: germline. Affected: yes. Observed: 1 variant allele.
Comment: DES: PM2, PP3

Blueprint Genetics
Classification: Uncertain significance. Last evaluated: 2022-12-05. Review status: criteria provided, single submitter. Criteria: ACMG Guidelines, 2015. Collection method: clinical testing. Allele origin: germline.

Fulgent Genetics
Classification: Uncertain significance for Neurogenic scapuloperoneal syndrome, Kaeser type; Desmin-related myofibrillar myopathy; Dilated cardiomyopathy 1I. Last evaluated: 2021-08-20. Review status: criteria provided, single submitter. Criteria: ACMG Guidelines, 2015. Collection method: clinical testing. Allele origin: unknown.

Genetic Services Laboratory, University of Chicago
Classification: Uncertain significance. Last evaluated: 2016-05-16. Review status: criteria provided, single submitter. Criteria: ACMG Guidelines, 2015. Collection method: clinical testing. Allele origin: germline. Affected: no.

NM_001927.4(DES):c.466G>A (p.Glu156Lys)

Gene: DES (desmin; plus strand). Cytogenetic location: 2q35.
Variant type: single nucleotide variant.
Coding change: c.466G>A on transcript NM_001927.4 (MANE Select); coding-DNA position 466, G replaced by A.
Protein change: p.Glu156Lys; replaces glutamic acid 156 with lysine.
Molecular consequence: missense variant.
Genome position (GRCh38, 1-based): chr2:219,418,928, G>A. VCF-style: chr2-219418928-G-A. GRCh37 (hg19) VCF-style: chr2-220283650-G-A.
Other names: c.466G>A (LRG_380t1); short protein forms E156K.
Identifiers: ClinVar variation 434937 (VCV000434937.45), dbSNP rs765471098, ClinGen allele CA2125072.
Genomic context (GRCh38, chr2:219,418,928, plus strand): 5'-CTCGCCGCCGAAGTGAACCGGCTCAAGGGCCGCGAGCCGACGCGAGTGGCCGAGCTCTAC[G>A]AGGAGGAGCTGCGGGAGCTGCGGCGCCAGGTGGAGGTGCTCACTAACCAGCGCGCGCGCG-3'
Protein context (NP_001918.3, residues 146-166): REPTRVAELY[Glu156Lys]EELRELRRQV